The following is an entry in ClinVar:

ClinVar aggregate classification (germline): Uncertain significance (1 of 4 stars; one submission).

Conditions:
Polycystic kidney disease 4 (PKD4). Also called: PKD3; POLYCYSTIC KIDNEY AND HEPATIC DISEASE 1; POLYCYSTIC KIDNEY DISEASE, INFANTILE, TYPE I; Autosomal Recessive Polycystic Kidney Disease – PKHD1; POLYCYSTIC KIDNEY DISEASE 4 WITH OR WITHOUT POLYCYSTIC LIVER DISEASE. Identifiers: MedGen C4540575, MONDO:0033004, OMIM 263200.

Submission:

Center for Human Genetics and Genomic Medicine, Uniklinik Rwth Aachen
Classification: Uncertain significance for Polycystic kidney disease 4. Last evaluated: 2021-10-14. Review status: criteria provided, single submitter. Criteria: ACMG Guidelines, 2015. Collection method: clinical testing. Allele origin: paternal. Inheritance: Autosomal recessive inheritance. Affected: yes.
Comment: The variant has not yet been listed in the dbSNP database or in gnomAD or ClinVar (as of October 12, 2021). It has already been reported in the literature as a "variant of uncertain significance" in a patient with the clinical diagnosis of ARPKD in compound heterozygosity with another PKHD1 variant classified as likely pathogenic (Obeidova et al., 2020). In bioinformatics, the change is classified as "disease causing" (CADDphred 32). Based on the current state of knowledge, the variant is to be classified as a "variant of unclear clinical significance" (ACMG criteria).

NM_138694.4(PKHD1):c.100G>A (p.Gly34Arg)

Gene: PKHD1 (PKHD1 ciliary IPT domain containing fibrocystin/polyductin; minus strand). Cytogenetic location: 6p12.2.
Variant type: single nucleotide variant.
Coding change: c.100G>A on transcript NM_138694.4 (MANE Select); coding-DNA position 100, G replaced by A.
Protein change: p.Gly34Arg; replaces glycine 34 with arginine.
Molecular consequence: missense variant.
Genome position (GRCh38, 1-based): chr6:52,083,208, C>T on the plus strand (G>A on the coding strand, the complement: PKHD1 is on the minus strand). VCF-style: chr6-52083208-C-T. GRCh37 (hg19) VCF-style: chr6-51948006-C-T.
Other names: c.100G>A, p.Gly34Arg (NM_170724.3); short protein forms G34R.
Identifiers: ClinVar variation 1299761 (VCV001299761.3), dbSNP rs2128244638, ClinGen allele CA364440941.